The following is an entry in ClinVar:

NM_000553.6(WRN):c.1390_1391del (p.Val464fs)

Gene: WRN (WRN RecQ like helicase; plus strand). Cytogenetic location: 8p12.
Variant type: Deletion.
Coding change: c.1390_1391del on transcript NM_000553.6 (MANE Select); coding-DNA positions 1390 to 1391, 2 bases deleted (GT; older notation c.1390_1391delGT).
Protein change: p.Val464fs; shifts the reading frame from valine 464.
Molecular consequence: frameshift variant.
Genome position (GRCh38, 1-based): chr8:31,085,205-31,085,206, GT deleted; deleting any 2 consecutive bases within chr8:31,085,204-31,085,206 gives the same sequence; the c. name uses the placement nearest the transcript's 3' end. VCF-style (leftmost placement, unchanged base first): chr8-31085203-ATG-A. GRCh37 (hg19) VCF-style: chr8-30942719-ATG-A.
Other names: short protein forms V464fs.
Identifiers: ClinVar variation 2063016 (VCV002063016.4), dbSNP rs2535919361, ClinGen allele CA2580078107.
Genomic context (GRCh38, chr8:31,085,203, plus strand): 5'-ATGCTTAATACTTTTTTTTAAAGCATTTATCTCCCAATGATAATGAAAACGATACGTCCT[ATG>A]TAATTGAGAGTGATGAAGATTTAGAAATGGAGATGCTTAAGGTATGTTTACAATTATAAA-3'

ClinVar aggregate classification (germline): Pathogenic (1 of 4 stars; one submission).

Conditions:
Werner syndrome (WRN). Identifiers: Orphanet 902, MedGen C0043119, MONDO:0010196, OMIM 277700.

Submission:

Labcorp Genetics (formerly Invitae), Labcorp
Classification: Pathogenic for Werner syndrome. Last evaluated: 2021-12-27. Review status: criteria provided, single submitter. Criteria: Invitae Variant Classification Sherloc (09022015). Collection method: clinical testing. Allele origin: germline.
Comment: For these reasons, this variant has been classified as Pathogenic. This variant has not been reported in the literature in individuals affected with WRN-related conditions. This variant is not present in population databases (gnomAD no frequency). This sequence change creates a premature translational stop signal (p.Val464Asnfs*2) in the WRN gene. It is expected to result in an absent or disrupted protein product. Loss-of-function variants in WRN are known to be pathogenic (PMID: 16673358).

Literature cited by the submitters: PubMed 16673358.